The following is an entry in ClinVar:

NM_002025.4(AFF2):c.511G>C (p.Ala171Pro)

Gene: AFF2 (ALF transcription elongation factor 2; plus strand). Cytogenetic location: Xq28.
Variant type: single nucleotide variant.
Coding change: c.511G>C on transcript NM_002025.4 (MANE Select); coding-DNA position 511, G replaced by C.
Protein change: p.Ala171Pro; replaces alanine 171 with proline.
Molecular consequence: missense variant.
Genome position (GRCh38, 1-based): chrX:148,662,238, G>C. VCF-style: chrX-148662238-G-C. GRCh37 (hg19) VCF-style: chrX-147743759-G-C.
Other names: c.499G>C, p.Ala167Pro (NM_001169122.2, NM_001169123.2, NM_001169125.2); c.511G>C, p.Ala171Pro (NM_001169124.2); short protein forms A167P, A171P.
Identifiers: ClinVar variation 2412939 (VCV002412939.11), dbSNP rs781897582, ClinGen allele CA414509369.
Genomic context (GRCh38, chrX:148,662,238, plus strand): 5'-AGCAACAGAAAATCAAAACCTGAGTGGTCACGTGATAGTCATAACCCTAGCACTGTACTG[G>C]CAAGCCAGGCCAGTGGTCAGCCAAACAAGATGCAGACTTTGACACAGGACCAGTCTCAAG-3'
Protein context (NP_002016.2, residues 161-181): RDSHNPSTVL[Ala171Pro]SQASGQPNKM

ClinVar aggregate classification (germline): Uncertain significance. Review status: criteria provided, multiple submitters, no conflicts (2 of 4 stars). 2 submissions from 2 submitters: Uncertain significance (2). Last evaluated 2025-10-03.

Submissions (2):

GeneDx
Classification: Uncertain significance. Last evaluated: 2025-10-03. Review status: criteria provided, single submitter. Criteria: GeneDx Variant Classification Process June 2021. Collection method: clinical testing. Allele origin: germline.
Comment: Not observed at significant frequency in large population cohorts (gnomAD); In silico analysis suggests that this missense variant does not alter protein structure/function; Has not been previously published as pathogenic or benign to our knowledge

CeGaT Center for Human Genetics Tuebingen
Classification: Uncertain significance. Last evaluated: 2025-09-01. Review status: criteria provided, single submitter. Criteria: CeGaT Center For Human Genetics Tuebingen Variant Classification Criteria Version 2. Collection method: clinical testing. Allele origin: germline. Affected: yes. Observed: 1 variant allele.
Comment: AFF2: PM2, BP4